The following is an entry in ClinVar:

ClinVar aggregate classification (germline): Uncertain significance (1 of 4 stars; one submission).

Conditions:
Hypertrophic cardiomyopathy. Also called: HYPERTROPHIC MYOCARDIOPATHY. Identifiers: Orphanet 217569, MedGen C0007194, MeSH D002312, MONDO:0005045, HP:0001639.

Submission:

Labcorp Genetics (formerly Invitae), Labcorp
Classification: Uncertain significance for Hypertrophic cardiomyopathy. Last evaluated: 2023-08-31. Review status: criteria provided, single submitter. Criteria: Invitae Variant Classification Sherloc (09022015). Collection method: clinical testing. Allele origin: germline.
Comment: In summary, the available evidence is currently insufficient to determine the role of this variant in disease. Therefore, it has been classified as a Variant of Uncertain Significance. An algorithm developed to predict the effect of missense changes on protein structure and function (PolyPhen-2) suggests that this variant is likely to be disruptive. This sequence change replaces leucine, which is neutral and non-polar, with proline, which is neutral and non-polar, at codon 1268 of the MYBPC3 protein (p.Leu1268Pro). This variant is not present in population databases (gnomAD no frequency). This variant has not been reported in the literature in individuals affected with MYBPC3-related conditions. ClinVar contains an entry for this variant (Variation ID: 1468259).

NM_000256.3(MYBPC3):c.3803T>C (p.Leu1268Pro)

Gene: MYBPC3 (myosin binding protein C3; minus strand). Cytogenetic location: 11p11.2.
Variant type: single nucleotide variant.
Coding change: c.3803T>C on transcript NM_000256.3 (MANE Select); coding-DNA position 3803, T replaced by C.
Protein change: p.Leu1268Pro; replaces leucine 1268 with proline.
Molecular consequence: missense variant.
Genome position (GRCh38, 1-based): chr11:47,332,083, A>G on the plus strand (T>C on the coding strand, the complement: MYBPC3 is on the minus strand). VCF-style: chr11-47332083-A-G. GRCh37 (hg19) VCF-style: chr11-47353634-A-G.
Other names: short protein forms L1268P.
Identifiers: ClinVar variation 1468259 (VCV001468259.7), dbSNP rs786204363, ClinGen allele CA014947.
Genomic context (GRCh38, chr11:47,332,083, plus strand): 5'-GCCGCCCGCTCTTCCCATCTCCCAGGCCCTGGCCCCGAGGGCTCCTCACCTCGCACCTCC[A>G]GGCGGCACTCACACCGTGCCTCGCCCTGTAAGTTGGTGGCCCTGCAGACATAGATGCCCC-3'
Protein context (NP_000247.2, residues 1258-1274): LQGEARCECR[Leu1268Pro]EVRVPQ